The following is an entry in ClinVar:

NM_170699.3(GPBAR1):c.647G>A (p.Arg216Gln)

Gene: GPBAR1 (G protein-coupled bile acid receptor 1; plus strand). Cytogenetic location: 2q35.
Variant type: single nucleotide variant.
Coding change: c.647G>A on transcript NM_170699.3 (MANE Select); coding-DNA position 647, G replaced by A.
Protein change: p.Arg216Gln; replaces arginine 216 with glutamine.
Molecular consequence: missense variant.
Genome position (GRCh38, 1-based): chr2:218,263,371, G>A. VCF-style: chr2-218263371-G-A. GRCh37 (hg19) VCF-style: chr2-219128094-G-A.
Other names: c.647G>A, p.Arg216Gln (NM_001077191.2, NM_001077194.2, NM_001321950.2); c.647G>A (NM_001321950.1); short protein forms R216Q.
Identifiers: ClinVar variation 595380 (VCV000595380.7), dbSNP rs200890305, ClinGen allele CA2102648.

ClinVar aggregate classification (germline): Uncertain significance. Review status: criteria provided, single submitter (1 of 4 stars). 2 submissions from 2 submitters: Uncertain significance (1). 1 of the submissions does not count toward it. Last evaluated 2017-12-13.

Conditions:
GPBAR1-related disorder. Also called: GPBAR1-related condition.

Allele frequency attached by ClinVar (database versions not stated): gnomAD exomes 0.00001 and 0.00005; gnomAD 0.00004; ExAC 0.00005; TOPMed 0.00008; 1000 Genomes Project 30x 0.00016; 1000 Genomes Project 0.00020.

Submissions (2):

Eurofins Ntd Llc (ga)
Classification: Uncertain significance. Last evaluated: 2017-12-13. Review status: criteria provided, single submitter. Criteria: EGL Classification Definitions 2015. Collection method: clinical testing. Allele origin: germline.

PreventionGenetics, part of Exact Sciences
Classification: Uncertain significance for GPBAR1-related condition. Last evaluated: 2023-12-07. Review status: no assertion criteria provided. Collection method: clinical testing. Allele origin: germline. Not counted in ClinVar's aggregate classification.
Comment: The GPBAR1 c.647G>A variant is predicted to result in the amino acid substitution p.Arg216Gln. To our knowledge, this variant has not been reported in the literature. This variant is reported in 0.017% of alleles in individuals of African descent in gnomAD. At this time, the clinical significance of this variant is uncertain due to the absence of conclusive functional and genetic evidence.